The following is an entry in ClinVar:

ClinVar aggregate classification (germline): Uncertain significance. Review status: criteria provided, multiple submitters, no conflicts (2 of 4 stars). 3 submissions from 3 submitters: Uncertain significance (3). Last evaluated 2025-06-29.

Conditions:
Severe myoclonic epilepsy in infancy (DRVT). Also called: Epileptic encephalopathy, early infantile, 6 (Dravet syndrome); SEVERE MYOCLONIC EPILEPSY OF INFANCY; Dravet syndrome; DEVELOPMENTAL AND EPILEPTIC ENCEPHALOPATHY 6A; Severe Myoclonic Epilepsy in Infancy (SMEI). Identifiers: Orphanet 33069, MedGen C0751122, MONDO:0100135, OMIM 607208.

Submissions (3):

Dasa
Classification: Uncertain significance. Last evaluated: 2025-06-29. Review status: criteria provided, single submitter. Criteria: DASA Assertion Criteria. Collection method: clinical testing. Allele origin: germline.
Comment: NM_001165963.4(SCN1A):c.5573G>T (p.Ser1858Ile) is a missense variant that results in the substitution of serine with isoleucine. This variant is absent from population databases. Computational prediction algorithms are consistent with a deleterious effect. The currently available literature and clinical evidence are not sufficient to establish a definitive association between this variant and the reported condition. Therefore, this variant is classified as a variant of uncertain significance.

Blueprint Genetics
Classification: Uncertain significance. Last evaluated: 2023-12-13. Review status: criteria provided, single submitter. Criteria: ACMG Guidelines, 2015. Collection method: clinical testing. Allele origin: germline.

Neuberg Centre For Genomic Medicine, NCGM
Classification: Uncertain significance for Severe myoclonic epilepsy in infancy. Last evaluated: 2023-05-20. Review status: criteria provided, single submitter. Criteria: ACMG Guidelines, 2015. Collection method: clinical testing. Allele origin: germline. Inheritance: Autosomal dominant inheritance. Affected: yes.
Comment: The missense variant c.5573G>T(p.Ser1858Ile) in SCN1A gene has not been reported previously as a pathogenic variant nor as a benign variant, to our knowledge. The observed variant is absent in gnomAD exomes database. This variant has not been submitted to the ClinVar database. Multiple lines of computational evidence (Polyphen - possibly damaging, SIFT - tolerated and MutationTaster - disease causing) predicts conflicting evidence on protein structure and function for this variant. The reference amino acid change p.Ser1858Ile in SCN1A is predicted as conserved by GERP++ and PhyloP across 100 vertebrates. The amino acid Ser at position 1858 is changed to a Ile changing protein sequence and it might alter its composition and physico-chemical properties. For these reasons, this variant has been classified as Uncertain Significance (VUS).

NM_001165963.4(SCN1A):c.5573G>T (p.Ser1858Ile)

Genes: SCN1A (sodium voltage-gated channel alpha subunit 1; minus strand), LOC102724058 (uncharacterized LOC102724058; plus strand). Cytogenetic location: 2q24.3.
Variant type: single nucleotide variant.
Coding change: c.5573G>T on transcript NM_001165963.4 (MANE Select); coding-DNA position 5573, G replaced by T.
Protein change: p.Ser1858Ile; replaces serine 1858 with isoleucine.
Molecular consequence: missense variant. On other transcripts: non-coding transcript variant (1).
Genome position (GRCh38, 1-based): chr2:165,991,702, C>A on the plus strand (G>T on the coding strand, the complement: SCN1A is on the minus strand). VCF-style: chr2-165991702-C-A. GRCh37 (hg19) VCF-style: chr2-166848212-C-A.
Other names: c.5489G>T, p.Ser1830Ile (NM_001165964.3, NM_001353957.2, NM_001353958.2); c.5573G>T, p.Ser1858Ile (NM_001202435.3, NM_001353948.2); c.5540G>T, p.Ser1847Ile (NM_001353949.2, NM_001353950.2, NM_001353951.2 and 2 more transcripts); c.5537G>T, p.Ser1846Ile (NM_001353954.2, NM_001353955.2); c.5486G>T, p.Ser1829Ile (NM_001353960.2); c.3131G>T, p.Ser1044Ile (NM_001353961.2); short protein forms S1044I, S1829I, S1830I, S1846I, S1847I, S1858I.
Identifiers: ClinVar variation 3362347 (VCV003362347.6).